The following is an entry in ClinVar:

NM_000094.4(COL7A1):c.6596C>T (p.Pro2199Leu)

Gene: COL7A1 (collagen type VII alpha 1 chain; minus strand). Cytogenetic location: 3p21.31.
Variant type: single nucleotide variant.
Coding change: c.6596C>T on transcript NM_000094.4 (MANE Select); coding-DNA position 6596, C replaced by T.
Protein change: p.Pro2199Leu; replaces proline 2199 with leucine.
Molecular consequence: missense variant.
Genome position (GRCh38, 1-based): chr3:48,573,535, G>A on the plus strand (C>T on the coding strand, the complement: COL7A1 is on the minus strand). VCF-style: chr3-48573535-G-A. GRCh37 (hg19) VCF-style: chr3-48610968-G-A.
Other names: p.Pro2199Leu; c.6596C>T (NM_000094.3); short protein forms P2199L.
Identifiers: ClinVar variation 990829 (VCV000990829.12), dbSNP rs143221297, ClinGen allele CA2378933.

ClinVar aggregate classification (germline): Conflicting classifications of pathogenicity. Review status: criteria provided, conflicting classifications (1 of 4 stars). 5 submissions from 5 submitters: Uncertain significance (2); Likely benign (2). 1 of the submissions does not count toward it. Last evaluated 2026-01-28.

Conditions:
COL7A1-related disorder. Also called: COL7A1-related condition; COL7A1- related disorders.
Epidermolysis bullosa dystrophica inversa, autosomal recessive. Identifiers: MedGen C2673612.
Inborn genetic diseases. Identifiers: MedGen C0950123, MeSH D030342.

Allele frequency attached by ClinVar (database versions not stated): gnomAD 0.00061 and 0.00056; 1000 Genomes Project 0.00080; 1000 Genomes Project 30x 0.00109; gnomAD exomes 0.00006 and 0.00009; ExAC 0.00012; ESP Exome Variant Server 0.00038; TOPMed 0.00050.
gnomAD v4.1: 177 of 1,614,090 alleles (0.011%); highest among the groups gnomAD compares: African/African-American, 0.22%; 1 homozygote.

Submissions (5):

Labcorp Genetics (formerly Invitae), Labcorp
Classification: Likely benign. Last evaluated: 2026-01-28. Review status: criteria provided, single submitter. Criteria: Invitae Variant Classification Sherloc (09022015). Collection method: clinical testing. Allele origin: germline.

Mayo Clinic Laboratories, Mayo Clinic
Classification: Uncertain significance. Last evaluated: 2025-01-16. Review status: criteria provided, single submitter. Criteria: ACMG Guidelines, 2015. Collection method: clinical testing. Allele origin: germline. Observed: 1 variant allele.
Comment: BS1

PreventionGenetics, part of Exact Sciences
Classification: Likely benign for COL7A1-related condition. Last evaluated: 2024-10-31. Review status: criteria provided, single submitter. Criteria: ACMG Guidelines, 2015. Collection method: clinical testing. Allele origin: germline.
Comment: This variant is classified as likely benign based on ACMG/AMP sequence variant interpretation guidelines (Richards et al. 2015 PMID: 25741868, with internal and published modifications).

Ambry Genetics
Classification: Uncertain significance for Inborn genetic diseases. Last evaluated: 2021-08-17. Review status: criteria provided, single submitter. Criteria: Ambry Variant Classification Scheme 2023. Collection method: clinical testing. Allele origin: germline.

Natera, Inc.
Classification: Uncertain significance for Autosomal recessive epidermolysis bullosa dystrophica inversa. Last evaluated: 2020-08-16. Review status: no assertion criteria provided. Collection method: clinical testing. Allele origin: germline. Not counted in ClinVar's aggregate classification.